The following is an entry in ClinVar:

ClinVar aggregate classification (germline): Pathogenic. Review status: criteria provided, multiple submitters, no conflicts (2 of 4 stars). 2 submissions from 2 submitters: Pathogenic (2). Last evaluated 2025-04-27.

Conditions:
Duchenne muscular dystrophy (DMD). Also called: MUSCULAR DYSTROPHY, PSEUDOHYPERTROPHIC PROGRESSIVE, DUCHENNE TYPE; Duchenne Muscular Dystrophy (DMD). Identifiers: Orphanet 98896, MedGen C0013264, MONDO:0010679, OMIM 310200.

Submissions (2):

Labcorp Genetics (formerly Invitae), Labcorp
Classification: Pathogenic for Duchenne muscular dystrophy. Last evaluated: 2025-04-27. Review status: criteria provided, single submitter. Criteria: Invitae Variant Classification Sherloc (09022015). Collection method: clinical testing. Allele origin: germline.
Comment: This sequence change creates a premature translational stop signal (p.His512Trpfs*4) in the DMD gene. It is expected to result in an absent or disrupted protein product. Loss-of-function variants in DMD are known to be pathogenic (PMID: 16770791, 25007885). This variant is not present in population databases (gnomAD no frequency). This premature translational stop signal has been observed in individual(s) with Duchenne muscular dystrophy (PMID: 15643612). For these reasons, this variant has been classified as Pathogenic.

Eurofins Ntd Llc (ga)
Classification: Pathogenic. Last evaluated: 2014-12-16. Review status: criteria provided, single submitter. Criteria: EGL Classification Definitions 2015. Collection method: clinical testing. Allele origin: germline. Observed: 2 variant alleles, 2 hemizygotes.

Literature cited by the submitters: PubMed 16770791 (cited by Labcorp Genetics (formerly Invitae), Labcorp); PubMed 25007885 (cited by Labcorp Genetics (formerly Invitae), Labcorp); PubMed 15643612 (cited by Labcorp Genetics (formerly Invitae), Labcorp and Eurofins Ntd Llc (ga)); PubMed 19937601 (cited by Eurofins Ntd Llc (ga)).

NM_004006.3(DMD):c.1533_1536del (p.His512fs)

Gene: DMD (dystrophin; minus strand). Cytogenetic location: Xp21.1.
Variant type: Microsatellite.
Coding change: c.1533_1536del on transcript NM_004006.3 (MANE Select); coding-DNA positions 1533 to 1536, 4 bases deleted (TCAC; older notation c.1533_1536delTCAC).
Protein change: p.His512fs; shifts the reading frame from histidine 512.
Molecular consequence: frameshift variant.
Genome position (GRCh38, 1-based): chrX:32,595,823-32,595,826, GTGA deleted on the plus strand (TCAC on the coding strand, the reverse complement: DMD is on the minus strand); deleting any 4 consecutive bases within chrX:32,595,823-32,595,831 gives the same sequence; the c. name uses the placement nearest the transcript's 3' end. VCF-style (leftmost placement, unchanged base first): chrX-32595822-TGTGA-T. GRCh37 (hg19) VCF-style: chrX-32613939-TGTGA-T.
Other names: c.1509_1512del, p.His504fs (NM_000109.4); c.1521_1524del, p.His508fs (NM_004009.3); c.1164_1167del, p.His389fs (NM_004010.3); short protein forms H508fs, H512fs, H389fs, H504fs.
Identifiers: ClinVar variation 194215 (VCV000194215.6), dbSNP rs794727097, ClinGen allele CA274992.